The following is an entry in ClinVar:

ClinVar aggregate classification (germline): Uncertain significance. Review status: criteria provided, multiple submitters, no conflicts (2 of 4 stars). 2 submissions from 2 submitters: Uncertain significance (2). Last evaluated 2025-09-27.

Conditions:
Erythrocytosis, familial, 3 (ECYT3). Identifiers: Orphanet 247511, MedGen C1853286, MONDO:0012353, OMIM 609820.

Submissions (2):

Labcorp Genetics (formerly Invitae), Labcorp
Classification: Uncertain significance for Erythrocytosis, familial, 3. Last evaluated: 2025-09-27. Review status: criteria provided, single submitter. Criteria: Invitae Variant Classification Sherloc (09022015). Collection method: clinical testing. Allele origin: germline.
Comment: This sequence change replaces glutamic acid, which is acidic and polar, with lysine, which is basic and polar, at codon 267 of the EGLN1 protein (p.Glu267Lys). This variant is present in population databases (rs769647331, gnomAD 0.004%). This missense change has been observed in individual(s) with pheochromocytoma (PMID: 24694336). ClinVar contains an entry for this variant (Variation ID: 3274764). An algorithm developed to predict the effect of missense changes on protein structure and function (PolyPhen-2) suggests that this variant is likely to be tolerated. In summary, the available evidence is currently insufficient to determine the role of this variant in disease. Therefore, it has been classified as a Variant of Uncertain Significance.

Ambry Genetics
Classification: Uncertain significance. Last evaluated: 2024-05-08. Review status: criteria provided, single submitter. Criteria: Ambry Variant Classification Scheme 2023. Collection method: clinical testing. Allele origin: germline.
Comment: The p.E267K variant (also known as c.799G>A), located in coding exon 1 of the EGLN1 gene, results from a G to A substitution at nucleotide position 799. The glutamic acid at codon 267 is replaced by lysine, an amino acid with similar properties. This variant was detected in a patient with pheochromocytoma (Welander J et al. J Clin Endocrinol Metab, 2014 Jul;99:E1352-60). This amino acid position is not well conserved in available vertebrate species. In addition, this alteration is predicted to be tolerated by in silico analysis. The evidence for this gene-disease relationship is limited; therefore, the clinical significance of this alteration is unclear.

Literature cited by the submitters: PubMed 24694336 (cited by Labcorp Genetics (formerly Invitae), Labcorp and Ambry Genetics).

NM_022051.3(EGLN1):c.799G>A (p.Glu267Lys)

Genes: EGLN1 (egl-9 family hypoxia inducible factor 1; minus strand), LOC129932769 (ATAC-STARR-seq lymphoblastoid active region 2730; plus strand). Cytogenetic location: 1q42.2.
Variant type: single nucleotide variant.
Coding change: c.799G>A on transcript NM_022051.3 (MANE Select); coding-DNA position 799, G replaced by A.
Protein change: p.Glu267Lys; replaces glutamic acid 267 with lysine.
Molecular consequence: missense variant.
Genome position (GRCh38, 1-based): chr1:231,421,090, C>T on the plus strand (G>A on the coding strand, the complement: EGLN1 is on the minus strand). VCF-style: chr1-231421090-C-T. GRCh37 (hg19) VCF-style: chr1-231556836-C-T.
Other names: c.799G>A, p.Glu267Lys (NM_001377260.1, NM_001377261.1); short protein forms E267K.
Identifiers: ClinVar variation 3274764 (VCV003274764.3).